The following is an entry in ClinVar:

ClinVar aggregate classification (germline): Uncertain significance (1 of 4 stars; one submission).

Submission:

Labcorp Genetics (formerly Invitae), Labcorp
Classification: Uncertain significance. Last evaluated: 2024-10-16. Review status: criteria provided, single submitter. Criteria: Invitae Variant Classification Sherloc (09022015). Collection method: clinical testing. Allele origin: germline.
Comment: This sequence change replaces threonine, which is neutral and polar, with isoleucine, which is neutral and non-polar, at codon 586 of the BMPER protein (p.Thr586Ile). This variant is not present in population databases (gnomAD no frequency). This variant has not been reported in the literature in individuals affected with BMPER-related conditions. ClinVar contains an entry for this variant (Variation ID: 1402911). Invitae Evidence Modeling of protein sequence and biophysical properties (such as structural, functional, and spatial information, amino acid conservation, physicochemical variation, residue mobility, and thermodynamic stability) indicates that this missense variant is not expected to disrupt BMPER protein function with a negative predictive value of 80%. In summary, the available evidence is currently insufficient to determine the role of this variant in disease. Therefore, it has been classified as a Variant of Uncertain Significance.

NM_001365308.1(BMPER):c.1757C>T (p.Thr586Ile)

Gene: BMPER (BMP binding endothelial regulator; plus strand). Cytogenetic location: 7p14.3.
Variant type: single nucleotide variant.
Coding change: c.1757C>T on transcript NM_001365308.1 (MANE Select); coding-DNA position 1757, C replaced by T.
Protein change: p.Thr586Ile; replaces threonine 586 with isoleucine.
Molecular consequence: missense variant.
Genome position (GRCh38, 1-based): chr7:34,143,241, C>T. VCF-style: chr7-34143241-C-T. GRCh37 (hg19) VCF-style: chr7-34182853-C-T.
Other names: c.1757C>T, p.Thr586Ile (NM_133468.5); short protein forms T586I.
Identifiers: ClinVar variation 1402911 (VCV001402911.6), dbSNP rs2127994695, ClinGen allele CA367179354.